The following is an entry in ClinVar:

NM_000532.5(PCCB):c.1299+5G>A

Gene: PCCB (propionyl-CoA carboxylase subunit beta; plus strand). Cytogenetic location: 3q22.3.
Variant type: single nucleotide variant.
Coding change: c.1299+5G>A on transcript NM_000532.5 (MANE Select); 5 bases into the intron after coding-DNA position 1299, G replaced by A.
Molecular consequence: intron variant.
Genome position (GRCh38, 1-based): chr3:136,327,260, G>A. VCF-style: chr3-136327260-G-A. GRCh37 (hg19) VCF-style: chr3-136046102-G-A.
Other names: c.1359+5G>A (NM_001178014.2).
Identifiers: ClinVar variation 2813722 (VCV002813722.3), dbSNP rs2529972527, ClinGen allele CA2739279498.

ClinVar aggregate classification (germline): Uncertain significance (1 of 4 stars; one submission).

Conditions:
Propionic acidemia (PROP). Also called: GLYCINEMIA, KETOTIC; HYPERGLYCINEMIA WITH KETOACIDOSIS AND LEUKOPENIA; KETOTIC HYPERGLYCINEMIA. Identifiers: Orphanet 35, MedGen C0268579, MONDO:0011628, OMIM 606054, HP:0003571.

Submission:

Labcorp Genetics (formerly Invitae), Labcorp
Classification: Uncertain significance for Propionic acidemia. Last evaluated: 2022-11-28. Review status: criteria provided, single submitter. Criteria: Invitae Variant Classification Sherloc (09022015). Collection method: clinical testing. Allele origin: germline.
Comment: This sequence change falls in intron 12 of the PCCB gene. It does not directly change the encoded amino acid sequence of the PCCB protein. It affects a nucleotide within the consensus splice site. This variant is not present in population databases (gnomAD no frequency). This variant has not been reported in the literature in individuals affected with PCCB-related conditions. Variants that disrupt the consensus splice site are a relatively common cause of aberrant splicing (PMID: 17576681, 9536098). Algorithms developed to predict the effect of sequence changes on RNA splicing suggest that this variant is not likely to affect RNA splicing. In summary, the available evidence is currently insufficient to determine the role of this variant in disease. Therefore, it has been classified as a Variant of Uncertain Significance.

Literature cited by the submitters: PubMed 17576681; PubMed 9536098.